The following is an entry in ClinVar:

GRCh38/hg38 18q22.1(chr18:68029227-68865306)x3

Genes: CCDC102B (coiled-coil domain containing 102B; plus strand), LINC01912 (long intergenic non-protein coding RNA 1912; minus strand), TMX3 (thioredoxin related transmembrane protein 3; minus strand), LOC126862783 (MED14-independent group 3 enhancer GRCh37_chr18:66103358-66104557; plus strand), LOC130062690 (ATAC-STARR-seq lymphoblastoid silent region 9536; plus strand) and 3 more. Cytogenetic location: 18q22.1.
Variant type: copy number gain.
Change: copy number 3 (three copies instead of two) of chr18:68,029,227-68,865,306 (836.1 kb, GRCh38 coordinates, 1-based), cytogenetic band 18q22.1.
Identifiers: ClinVar variation 152576 (VCV000152576.2).

ClinVar aggregate classification (germline): conflicting data from submitters (0 of 4 stars; one submission).

Submission:

ISCA site 1
Classification: conflicting data from submitters. Last evaluated: 2013-01-25. Review status: no assertion criteria provided. Collection method: clinical testing. Allele origin: unknown, maternal. Affected: yes. Observed: 3 variant alleles. Clinical features observed: Developmental delay AND/OR other significant developmental or morphological phenotypes, Autism (HP:0000717), Intellectual disability (HP:0001249), Global developmental delay (HP:0001263), Delayed speech and language development (HP:0000750), Failure to thrive (HP:0001508), Intrauterine growth retardation (HP:0001511), Delayed gross motor development (HP:0002194).
Comment: Uncertain significance(2), Likely benign (1)

Copy number variation identified through the course of routine clinical cytogenomic testing in postnatal populations, with clinical assertions as classified by the original submitter. For data from the original published study, Kaminsky, et al. 2011 (PubMed 21844811), please see nstd101.